The following is an entry in ClinVar:

Conditions:
Arteriohepatic dysplasia. Also called: Alagille Syndrome. Identifiers: Orphanet 52, MedGen C0085280, MeSH D016738, MONDO:0007318.

gnomAD v4.1: 1 of 1,613,986 alleles (0.000062%); highest among the groups gnomAD compares: Non-Finnish European, 0.000085%; no homozygotes.

Submission:

Gilbert/Spinner Lab, Children's Hospital of Philadelphia
No classification provided (evidence only). Condition: Alagille syndrome. Review status: no classification provided. Collection method: research. Allele origin: not applicable. Functional consequence: functionally_abnormal.
ClinVar note: "not provided" was previously submitted as the classification for the variant. However, the classification appeared to be based only on an observation of functional data so it was converted to no classification on 2025-07-30.

NM_000214.3(JAG1):c.893A>G (p.Asn298Ser)

Gene: JAG1 (jagged canonical Notch ligand 1; minus strand). Cytogenetic location: 20p12.2.
Variant type: single nucleotide variant.
Coding change: c.893A>G on transcript NM_000214.3 (MANE Select); coding-DNA position 893, A replaced by G.
Protein change: p.Asn298Ser; replaces asparagine 298 with serine.
Molecular consequence: missense variant.
Genome position (GRCh38, 1-based): chr20:10,652,244, T>C on the plus strand (A>G on the coding strand, the complement: JAG1 is on the minus strand). VCF-style: chr20-10652244-T-C. GRCh37 (hg19) VCF-style: chr20-10632892-T-C.
Other names: short protein forms N298S.
Identifiers: ClinVar variation 3573167 (VCV003573167.2).